The following is an entry in ClinVar:

ClinVar aggregate classification (germline): Uncertain significance (1 of 4 stars; one submission).

Conditions:
Congenital hypothyroidism. Identifiers: Orphanet 442, MedGen C0010308, MONDO:0018612, HP:0000851.

gnomAD v4.1: 50 of 1,613,984 alleles (0.0031%); highest among the groups gnomAD compares: Admixed American, 0.012%; no homozygotes.

Submission:

Cambridge Genomics Laboratory, East Genomic Laboratory Hub, NHS Genomic Medicine Service
Classification: Uncertain significance for Congenital hypothyroidism. Last evaluated: 2024-09-30. Review status: criteria provided, single submitter. Criteria: ACGS Best Practice Guidelines for Variant Classification in Rare Disease 2020. Collection method: clinical testing. Allele origin: germline. Affected: yes.
Comment: BP4

NM_003235.5(TG):c.7732C>T (p.Arg2578Trp)

Gene: TG (thyroglobulin; plus strand). Cytogenetic location: 8q24.22.
Variant type: single nucleotide variant.
Coding change: c.7732C>T on transcript NM_003235.5 (MANE Select); coding-DNA position 7732, C replaced by T.
Protein change: p.Arg2578Trp; replaces arginine 2578 with tryptophan.
Molecular consequence: missense variant.
Genome position (GRCh38, 1-based): chr8:133,113,581, C>T. VCF-style: chr8-133113581-C-T. GRCh37 (hg19) VCF-style: chr8-134125825-C-T.
Other names: short protein forms R2578W.
Identifiers: ClinVar variation 4682114 (VCV004682114.1).